The following is an entry in ClinVar:

ClinVar aggregate classification (germline): Uncertain significance (1 of 4 stars; one submission).

Conditions:
Cardiovascular phenotype. Identifiers: MedGen CN230736.

Submission:

Ambry Genetics
Classification: Uncertain significance for Cardiovascular phenotype. Last evaluated: 2022-11-10. Review status: criteria provided, single submitter. Criteria: Ambry Variant Classification Scheme 2023. Collection method: clinical testing. Allele origin: germline.
Comment: The c.7029_7030delTCinsCT variant (also known as p.L2344F), located in coding exon 46 of the RYR2 gene, results from an in-frame deletion of TC and insertion of CT at nucleotide positions 7029 to 7030. This results in the substitution of the leucine residue for a phenylalanine residue at codon 2344, an amino acid with highly similar properties. This amino acid position is highly conserved in available vertebrate species. In addition, the in silico prediction for this alteration is inconclusive (Choi Y et al. PLoS ONE. 2012; 7(10):e46688). Since supporting evidence is limited at this time, the clinical significance of this alteration remains unclear.

NM_001035.3(RYR2):c.7029_7030delinsCT (p.Leu2344Phe)

Gene: RYR2 (ryanodine receptor 2; plus strand). Cytogenetic location: 1q43.
Variant type: Indel.
Coding change: c.7029_7030delinsCT on transcript NM_001035.3 (MANE Select); coding-DNA positions 7029 to 7030, TC replaced by CT.
Protein change: p.Leu2344Phe; replaces leucine 2344 with phenylalanine.
Molecular consequence: missense variant.
Genome position (GRCh38, 1-based): chr1:237,639,115-237,639,116, TC replaced by CT. VCF-style: chr1-237639115-TC-CT. GRCh37 (hg19) VCF-style: chr1-237802415-TC-CT.
Other names: short protein forms L2344F.
Identifiers: ClinVar variation 2454003 (VCV002454003.2), dbSNP rs2546964552, ClinGen allele CA2580062444.